The following is an entry in ClinVar:

NM_000206.3(IL2RG):c.925-11T>A

Gene: IL2RG (interleukin 2 receptor subunit gamma; minus strand). Cytogenetic location: Xq13.1.
Variant type: single nucleotide variant.
Coding change: c.925-11T>A on transcript NM_000206.3 (MANE Select); 11 bases into the intron before coding-DNA position 925, T replaced by A.
Molecular consequence: intron variant.
Genome position (GRCh38, 1-based): chrX:71,107,932, A>T on the plus strand (T>A on the coding strand, the complement: IL2RG is on the minus strand). VCF-style: chrX-71107932-A-T. GRCh37 (hg19) VCF-style: chrX-70327782-A-T.
Identifiers: ClinVar variation 3683212 (VCV003683212.2).
Genomic context (GRCh38, chrX:71,107,932, plus strand): 5'-TAGTCTGGCTGCAGACTCTCAGCCAGTCCCTTAGACACACCACTCCAGGCCTAAAGACAG[A>T]TATGTCCAGGTCAGGGGTCAATTAGGGGCAGGAAGTAAAAGACCGAGCTCTGTGCCAAAG-3'

ClinVar aggregate classification (germline): Uncertain significance (1 of 4 stars; one submission).

Conditions:
X-linked severe combined immunodeficiency (SCIDX1). Also called: IMMUNODEFICIENCY 4; SCID, X-LINKED; SEVERE COMBINED IMMUNODEFICIENCY, X-LINKED, T CELL-NEGATIVE, B CELL-POSITIVE, NK CELL-NEGATIVE; X-Linked Combined Immunodeficiency Diseases; T-B+ severe combined immunodeficiency due to gamma chain deficiency. Identifiers: Orphanet 276, MedGen C6022468, MONDO:0010315, OMIM 300400. Disease mechanism: loss of function.

Submission:

Labcorp Genetics (formerly Invitae), Labcorp
Classification: Uncertain significance for X-linked severe combined immunodeficiency. Last evaluated: 2024-10-21. Review status: criteria provided, single submitter. Criteria: Invitae Variant Classification Sherloc (09022015). Collection method: clinical testing. Allele origin: germline.
Comment: This sequence change falls in intron 7 of the IL2RG gene. It does not directly change the encoded amino acid sequence of the IL2RG protein. The frequency data for this variant in the population databases is considered unreliable, as metrics indicate poor data quality at this position in the gnomAD database. This variant has not been reported in the literature in individuals affected with IL2RG-related conditions. Algorithms developed to predict the effect of sequence changes on RNA splicing suggest that this variant may disrupt the consensus splice site. In summary, the available evidence is currently insufficient to determine the role of this variant in disease. Therefore, it has been classified as a Variant of Uncertain Significance.